The following is an entry in ClinVar:

ClinVar aggregate classification (germline): Uncertain significance (1 of 4 stars; one submission).

Conditions:
Glycogen storage disease IXb (GSD9B). Also called: PHOSPHORYLASE KINASE DEFICIENCY OF LIVER AND MUSCLE, AUTOSOMAL RECESSIVE; GLYCOGENOSIS OF LIVER AND MUSCLE, AUTOSOMAL RECESSIVE; GSD IXb. Identifiers: Orphanet 79240, MedGen C0543514, MONDO:0009868, OMIM 261750.

Submission:

Labcorp Genetics (formerly Invitae), Labcorp
Classification: Uncertain significance for Glycogen storage disease IXb. Last evaluated: 2024-10-22. Review status: criteria provided, single submitter. Criteria: Invitae Variant Classification Sherloc (09022015). Collection method: clinical testing. Allele origin: germline.
Comment: This sequence change falls in intron 2 of the PHKB gene. It does not directly change the encoded amino acid sequence of the PHKB protein. This variant is not present in population databases (gnomAD no frequency). This variant has not been reported in the literature in individuals affected with PHKB-related conditions. Algorithms developed to predict the effect of sequence changes on RNA splicing suggest that this variant may disrupt the consensus splice site. In summary, the available evidence is currently insufficient to determine the role of this variant in disease. Therefore, it has been classified as a Variant of Uncertain Significance.

NM_000293.3(PHKB):c.167-4del

Genes: PHKB (phosphorylase kinase regulatory subunit beta; plus strand), LOC112449713 (Sharpr-MPRA regulatory region 10524; plus strand). Cytogenetic location: 16q12.1.
Variant type: Deletion.
Coding change: c.167-4del on transcript NM_000293.3 (MANE Select); 4 bases into the intron before coding-DNA position 167, one base deleted (G; older notation c.167-4delG).
Molecular consequence: intron variant.
Genome position (GRCh38, 1-based): chr16:47,499,752, G deleted. VCF-style (leftmost placement, unchanged base first): chr16-47499751-TG-T. GRCh37 (hg19) VCF-style: chr16-47533662-TG-T.
Other names: c.167-4del (NM_001363837.1); c.146-4del (NM_001031835.3).
Identifiers: ClinVar variation 3641906 (VCV003641906.2).